The following is an entry in ClinVar:

ClinVar aggregate classification (germline): Uncertain significance. Review status: criteria provided, multiple submitters, no conflicts (2 of 4 stars). 2 submissions from 2 submitters: Uncertain significance (2). Last evaluated 2022-07-24.

Conditions:
Developmental and epileptic encephalopathy, 50 (DEE50). Also called: Epileptic encephalopathy, early infantile, 50. Identifiers: Orphanet 448010, MedGen C4225320, MONDO:0014647, OMIM 616457.

Allele frequency attached by ClinVar (database versions not stated): TOPMed below 0.00001; gnomAD exomes 0.00006; 1000 Genomes Project 30x 0.00047; 1000 Genomes Project 0.00060.
gnomAD v4.1: 93 of 1,598,794 alleles (0.0058%); highest among the groups gnomAD compares: South Asian, 0.1%; no homozygotes.

Submissions (2):

Labcorp Genetics (formerly Invitae), Labcorp
Classification: Uncertain significance. Last evaluated: 2022-07-24. Review status: criteria provided, single submitter. Criteria: Invitae Variant Classification Sherloc (09022015). Collection method: clinical testing. Allele origin: germline.
Comment: This sequence change replaces proline, which is neutral and non-polar, with serine, which is neutral and polar, at codon 1702 of the CAD protein (p.Pro1702Ser). This variant is present in population databases (rs529298259, gnomAD 0.1%). This variant has not been reported in the literature in individuals affected with CAD-related conditions. Algorithms developed to predict the effect of missense changes on protein structure and function are either unavailable or do not agree on the potential impact of this missense change (SIFT: "Tolerated"; PolyPhen-2: "Probably Damaging"; Align-GVGD: "Class C15"). In summary, the available evidence is currently insufficient to determine the role of this variant in disease. Therefore, it has been classified as a Variant of Uncertain Significance.

Victorian Clinical Genetics Services, Murdoch Childrens Research Institute
Classification: Uncertain significance for Developmental and epileptic encephalopathy, 50. Last evaluated: 2022-06-24. Review status: criteria provided, single submitter. Criteria: ACMG Guidelines, 2015. Collection method: clinical testing. Allele origin: germline. Inheritance: Autosomal recessive inheritance. Affected: yes.
Comment: Based on the classification scheme VCGS_Germline_v1.3.4, this variant is classified as VUS-3B. Following criteria are met: 0102 - Loss of function is a known mechanism of disease in this gene and is associated with developmental and epileptic encephalopathy 50 (MIM#616457). (I) 0106 - This gene is associated with autosomal recessive disease. (I) 0200 - Variant is predicted to result in a missense amino acid change from proline to serine. (I) 0252 - This variant is homozygous. (I) 0304 - Variant is present in gnomAD <0.01 for a recessive condition (v2 - 26 heterozygotes, 0 homozygotes). (SP) 0309 - An alternative amino acid change at the same position has been observed in gnomAD (v2 & v3 - 1 heterozygote, 0 homozygote).(I) 0502 - Missense variant with conflicting in silico predictions and uninformative conservation. (I) 0604 - Variant is not located in an established domain, motif, hotspot or informative constraint region. (I) 0705 - No comparable missense variants have previous evidence for pathogenicity. (I) 0807 - This variant has no previous evidence of pathogenicity. (I) 0905 - No published segregation evidence has been identified for this variant. (I) 1007 - No published functional evidence has been identified for this variant. (I) Legend: (SP) - Supporting pathogenic, (I) - Information, (SB) - Supporting benign

NM_004341.5(CAD):c.5104C>T (p.Pro1702Ser)

Gene: CAD (carbamoyl-phosphate synthetase 2, aspartate transcarbamylase, and dihydroorotase; plus strand). Cytogenetic location: 2p23.3.
Variant type: single nucleotide variant.
Coding change: c.5104C>T on transcript NM_004341.5 (MANE Select); coding-DNA position 5104, C replaced by T.
Protein change: p.Pro1702Ser; replaces proline 1702 with serine.
Molecular consequence: missense variant.
Genome position (GRCh38, 1-based): chr2:27,239,083, C>T. VCF-style: chr2-27239083-C-T. GRCh37 (hg19) VCF-style: chr2-27461951-C-T.
Other names: c.4915C>T, p.Pro1639Ser (NM_001306079.2); short protein forms P1639S, P1702S.
Identifiers: ClinVar variation 1699465 (VCV001699465.5), dbSNP rs529298259, ClinGen allele CA1573754.